The following is an entry in ClinVar:

NM_031206.7(LAS1L):c.1288A>G (p.Asn430Asp)

Gene: LAS1L (LAS1 like ribosome biogenesis factor; minus strand). Cytogenetic location: Xq12.
Variant type: single nucleotide variant.
Coding change: c.1288A>G on transcript NM_031206.7 (MANE Select); coding-DNA position 1288, A replaced by G.
Protein change: p.Asn430Asp; replaces asparagine 430 with aspartic acid.
Molecular consequence: missense variant. On other transcripts: non-coding transcript variant (1).
Genome position (GRCh38, 1-based): chrX:65,524,068, T>C on the plus strand (A>G on the coding strand, the complement: LAS1L is on the minus strand). VCF-style: chrX-65524068-T-C. GRCh37 (hg19) VCF-style: chrX-64743948-T-C.
Other names: c.1237A>G, p.Asn413Asp (NM_001170649.2, NM_001375331.1, NM_001375333.1 and 2 more transcripts); c.1111A>G, p.Asn371Asp (NM_001170650.2); c.1288A>G, p.Asn430Asp (NM_001375328.1, NM_001375329.1, NM_001375330.1 and 3 more transcripts); c.331A>G, p.Asn111Asp (NM_001375332.1); short protein forms N111D, N371D, N413D, N430D.
Identifiers: ClinVar variation 4056577 (VCV004056577.1).

ClinVar aggregate classification (germline): Uncertain significance (1 of 4 stars; one submission).

Conditions:
Wilson-Turner syndrome (WTS). Also called: MENTAL RETARDATION, X-LINKED, SYNDROMIC 6; INTELLECTUAL DEVELOPMENTAL DISORDER, X-LINKED, SYNDROMIC, WILSON-TURNER TYPE. Identifiers: Orphanet 3459, MedGen C1839736, MONDO:0010665, OMIM 309585.

Submission:

Laboratorio de Genetica e Diagnostico Molecular, Hospital Israelita Albert Einstein
Classification: Uncertain significance for Wilson-Turner syndrome. Last evaluated: 2024-10-24. Review status: criteria provided, single submitter. Criteria: ACMG Guidelines, 2015. Collection method: clinical testing. Allele origin: germline. Affected: yes.
Comment: ACMG classification criteria: PM2 supporting, BP4 supporting